The following is an entry in ClinVar:

NM_000038.6(APC):c.4975G>T (p.Asp1659Tyr)

Gene: APC (APC regulator of Wnt signaling pathway; plus strand). Cytogenetic location: 5q22.2.
Variant type: single nucleotide variant.
Coding change: c.4975G>T on transcript NM_000038.6 (MANE Select); coding-DNA position 4975, G replaced by T.
Protein change: p.Asp1659Tyr; replaces aspartic acid 1659 with tyrosine.
Molecular consequence: missense variant. On other transcripts: non-coding transcript variant (2).
Genome position (GRCh38, 1-based): chr5:112,840,569, G>T. VCF-style: chr5-112840569-G-T. GRCh37 (hg19) VCF-style: chr5-112176266-G-T.
Other names: c.4975G>T, p.Asp1659Tyr (NM_001127510.3, NM_001354895.2, NM_001407450.1); c.4921G>T, p.Asp1641Tyr (NM_001127511.3); c.5029G>T, p.Asp1677Tyr (NM_001354896.2, NM_001407447.1, NM_001407448.1 and 1 more transcripts); c.5005G>T, p.Asp1669Tyr (NM_001354897.2); c.4900G>T, p.Asp1634Tyr (NM_001354898.2); c.4891G>T, p.Asp1631Tyr (NM_001354899.2); c.4852G>T, p.Asp1618Tyr (NM_001354900.2); c.4798G>T, p.Asp1600Tyr (NM_001354901.2, NM_001407453.1); and 11 more; short protein forms D1275Y, D1376Y, D1499Y, D1530Y, D1533Y, D1558Y, D1568Y, D1576Y.
Identifiers: ClinVar variation 3230594 (VCV003230594.1), dbSNP rs776103515, ClinGen allele CA16032222.

ClinVar aggregate classification (germline): Uncertain significance (1 of 4 stars; one submission).

Conditions:
Hereditary cancer-predisposing syndrome. Also called: Neoplastic Syndromes, Hereditary; Tumor predisposition; Hereditary neoplastic syndrome; Hereditary Cancer Syndrome. Identifiers: Orphanet 140162, MedGen C0027672, MeSH D009386, MONDO:0015356.

Submission:

Ambry Genetics
Classification: Uncertain significance for Hereditary cancer-predisposing syndrome. Last evaluated: 2023-09-20. Review status: criteria provided, single submitter. Criteria: Ambry Variant Classification Scheme 2023. Collection method: clinical testing. Allele origin: germline.
Comment: The p.D1659Y variant (also known as c.4975G>T), located in coding exon 15 of the APC gene, results from a G to T substitution at nucleotide position 4975. The aspartic acid at codon 1659 is replaced by tyrosine, an amino acid with highly dissimilar properties. This amino acid position is conserved. In addition, in silico predictors for this gene do not accurately predict pathogenicity. Since supporting evidence is limited at this time, the clinical significance of this alteration remains unclear.